The following is an entry in ClinVar:

NM_014444.5(TUBGCP4):c.1784dup (p.Val596fs)

Genes: TP53BP1 (tumor protein p53 binding protein 1; minus strand), TUBGCP4 (tubulin gamma complex component 4; plus strand). Cytogenetic location: 15q15.3.
Variant type: Duplication.
Coding change: c.1784dup on transcript NM_014444.5 (MANE Select); coding-DNA position 1784, one base duplicated (T; older notation c.1784dupT).
Protein change: p.Val596fs; shifts the reading frame from valine 596.
Molecular consequence: frameshift variant. On other transcripts: 3 prime UTR variant (5).
Genome position (GRCh38, 1-based): chr15:43,403,735, T duplicated. VCF-style (leftmost placement, unchanged base first): chr15-43403734-C-CT. GRCh37 (hg19) VCF-style: chr15-43695932-C-CT.
Other names: c.1787dup, p.Val597fs (NM_001286414.3); c.*3648dup (NM_001141979.3, NM_001141980.3, NM_001355001.2 and 2 more transcripts); short protein forms V596fs, V597fs.
Identifiers: ClinVar variation 1454253 (VCV001454253.6), dbSNP rs2142896446, ClinGen allele CA2573150736.

ClinVar aggregate classification (germline): Pathogenic (1 of 4 stars; one submission).

Submission:

Labcorp Genetics (formerly Invitae), Labcorp
Classification: Pathogenic. Last evaluated: 2022-03-10. Review status: criteria provided, single submitter. Criteria: Invitae Variant Classification Sherloc (09022015). Collection method: clinical testing. Allele origin: germline.
Comment: For these reasons, this variant has been classified as Pathogenic. Algorithms developed to predict the effect of sequence changes on RNA splicing suggest that this variant may disrupt the consensus splice site. This variant has not been reported in the literature in individuals affected with TUBGCP4-related conditions. This variant is not present in population databases (gnomAD no frequency). This sequence change creates a premature translational stop signal (p.Val597Glyfs*10) in the TUBGCP4 gene. It is expected to result in an absent or disrupted protein product. Loss-of-function variants in TUBGCP4 are known to be pathogenic (PMID: 25817018).

Literature cited by the submitters: PubMed 25817018.